The following is an entry in ClinVar:

NM_145698.5(ACBD5):c.51del (p.Cys18fs)

Genes: ACBD5 (acyl-CoA binding domain containing 5; minus strand), LOC130003557 (ATAC-STARR-seq lymphoblastoid active region 3182; plus strand). Cytogenetic location: 10p12.1.
Variant type: Deletion.
Coding change: c.51del on transcript NM_145698.5 (MANE Select); coding-DNA position 51, one base deleted (C; older notation c.51delC).
Protein change: p.Cys18fs; shifts the reading frame from cysteine 18.
Molecular consequence: frameshift variant. On other transcripts: 5 prime UTR variant (16).
Genome position (GRCh38, 1-based): chr10:27,240,449, G deleted on the plus strand (C on the coding strand, the reverse complement: ACBD5 is on the minus strand). VCF-style (leftmost placement, unchanged base first): chr10-27240448-AG-A. GRCh37 (hg19) VCF-style: chr10-27529377-AG-A.
Other names: c.-55del (NM_001042473.4, NM_001352574.2, NM_001352575.2 and 6 more transcripts); c.45del, p.Cys16fs (NM_001271512.3, NM_001352571.1, NM_001352586.1 and 1 more transcripts); c.-156del (NM_001301251.2, NM_001301252.2, NM_001301253.2 and 4 more transcripts); c.72del, p.Cys25fs (NM_001352568.1, NM_001352572.1); c.51del, p.Cys18fs (NM_001352569.1, NM_001352570.1, NM_001352573.1 and 2 more transcripts); short protein forms C18fs, C25fs, C16fs.
Identifiers: ClinVar variation 2824482 (VCV002824482.3), dbSNP rs1402948915, ClinGen allele CA592780611.
Genomic context (GRCh38, chr10:27,240,448, plus strand): 5'-CCGCCATCTCCAGCTGCCAGTGTTGGCCCCGGTCCCAAGGTCTGTCGGCGGGAATCAGGC[AG>A]CAGCAGCACCAGCTTTCCCAAGAGCCTGCATGAAACTGGAACATGGAGCGCAGCCGCGGA-3'

ClinVar aggregate classification (germline): Pathogenic (1 of 4 stars; one submission).

Allele frequency attached by ClinVar (database versions not stated): gnomAD exomes below 0.00001.

Submission:

Labcorp Genetics (formerly Invitae), Labcorp
Classification: Pathogenic. Last evaluated: 2025-04-28. Review status: criteria provided, single submitter. Criteria: Invitae Variant Classification Sherloc (09022015). Collection method: clinical testing. Allele origin: germline.
Comment: This sequence change creates a premature translational stop signal (p.Cys18Alafs*2) in the ACBD5 gene. It is expected to result in an absent or disrupted protein product. Loss-of-function variants in ACBD5 are known to be pathogenic (PMID: 23105016, 27799409). This variant is present in population databases (no rsID available, gnomAD 0.003%). This variant has not been reported in the literature in individuals affected with ACBD5-related conditions. ClinVar contains an entry for this variant (Variation ID: 2824482). For these reasons, this variant has been classified as Pathogenic.

Literature cited by the submitters: PubMed 23105016; PubMed 27799409.